The following is an entry in ClinVar:

NM_002880.4(RAF1):c.347C>G (p.Thr116Ser)

Gene: RAF1 (Raf-1 proto-oncogene, serine/threonine kinase; minus strand). Cytogenetic location: 3p25.2.
Variant type: single nucleotide variant.
Coding change: c.347C>G on transcript NM_002880.4 (MANE Select); coding-DNA position 347, C replaced by G.
Protein change: p.Thr116Ser; replaces threonine 116 with serine.
Molecular consequence: missense variant. On other transcripts: non-coding transcript variant (3).
Genome position (GRCh38, 1-based): chr3:12,609,309, G>C on the plus strand (C>G on the coding strand, the complement: RAF1 is on the minus strand). VCF-style: chr3-12609309-G-C. GRCh37 (hg19) VCF-style: chr3-12650808-G-C.
Other names: c.347C>G, p.Thr116Ser (NM_001354689.3, NM_001354690.3, NM_001354693.3); c.104C>G, p.Thr35Ser (NM_001354691.3, NM_001354692.3, NM_001354694.3 and 1 more transcripts); short protein forms T116S, T35S.
Identifiers: ClinVar variation 520275 (VCV000520275.8), dbSNP rs1285131074, ClinGen allele CA351518642.

ClinVar aggregate classification (germline): Uncertain significance. Review status: criteria provided, multiple submitters, no conflicts (2 of 4 stars). 2 submissions from 2 submitters: Uncertain significance (2). Last evaluated 2025-10-31.

Conditions:
RASopathy. Also called: rasopathies; Noonan spectrum disorder. Identifiers: Orphanet 536391, MedGen C5555857, MONDO:0021060.
Cardiovascular phenotype. Identifiers: MedGen CN230736.

Allele frequency attached by ClinVar (database versions not stated): TOPMed below 0.00001; gnomAD 0.00001.
gnomAD v4.1: 2 of 1,613,076 alleles (0.00012%); highest among the groups gnomAD compares: African/African-American, 0.0013%; no homozygotes.

Submissions (2):

Ambry Genetics
Classification: Uncertain significance for Cardiovascular phenotype. Last evaluated: 2025-10-31. Review status: criteria provided, single submitter. Criteria: Ambry Variant Classification Scheme 2023. Collection method: clinical testing. Allele origin: germline.
Comment: The p.T116S variant (also known as c.347C>G), located in coding exon 3 of the RAF1 gene, results from a C to G substitution at nucleotide position 347. The threonine at codon 116 is replaced by serine, an amino acid with similar properties. This amino acid position is highly conserved in available vertebrate species. In addition, the in silico prediction for this alteration is inconclusive. Based on the available evidence, the clinical significance of this variant remains unclear.

Labcorp Genetics (formerly Invitae), Labcorp
Classification: Uncertain significance for RASopathy. Last evaluated: 2025-04-23. Review status: criteria provided, single submitter. Criteria: Invitae Variant Classification Sherloc (09022015). Collection method: clinical testing. Allele origin: germline.
Comment: This sequence change replaces threonine, which is neutral and polar, with serine, which is neutral and polar, at codon 116 of the RAF1 protein (p.Thr116Ser). This variant is present in population databases (no rsID available, gnomAD 0.01%). This variant has not been reported in the literature in individuals affected with RAF1-related conditions. ClinVar contains an entry for this variant (Variation ID: 520275). Invitae Evidence Modeling of protein sequence and biophysical properties (such as structural, functional, and spatial information, amino acid conservation, physicochemical variation, residue mobility, and thermodynamic stability) indicates that this missense variant is expected to disrupt RAF1 protein function with a positive predictive value of 95%. In summary, the available evidence is currently insufficient to determine the role of this variant in disease. Therefore, it has been classified as a Variant of Uncertain Significance.